The following is an entry in ClinVar:

ClinVar aggregate classification (germline): Uncertain significance (1 of 4 stars; one submission).

Conditions:
EGFR-related lung cancer (EGFR). Identifiers: MedGen CN130014.

Submission:

Labcorp Genetics (formerly Invitae), Labcorp
Classification: Uncertain significance for EGFR-related lung cancer. Last evaluated: 2022-11-17. Review status: criteria provided, single submitter. Criteria: Invitae Variant Classification Sherloc (09022015). Collection method: clinical testing. Allele origin: germline.
Comment: In summary, the available evidence is currently insufficient to determine the role of this variant in disease. Therefore, it has been classified as a Variant of Uncertain Significance. Advanced modeling of protein sequence and biophysical properties (such as structural, functional, and spatial information, amino acid conservation, physicochemical variation, residue mobility, and thermodynamic stability) performed at Invitae indicates that this missense variant is not expected to disrupt EGFR protein function. This variant has not been reported in the literature in individuals affected with EGFR-related conditions. This variant is not present in population databases (gnomAD no frequency). This sequence change replaces lysine, which is basic and polar, with threonine, which is neutral and polar, at codon 716 of the EGFR protein (p.Lys716Thr).

NM_005228.5(EGFR):c.2147A>C (p.Lys716Thr)

Gene: EGFR (epidermal growth factor receptor; plus strand). Cytogenetic location: 7p11.2.
Variant type: single nucleotide variant.
Coding change: c.2147A>C on transcript NM_005228.5 (MANE Select); coding-DNA position 2147, A replaced by C.
Protein change: p.Lys716Thr; replaces lysine 716 with threonine.
Molecular consequence: missense variant.
Genome position (GRCh38, 1-based): chr7:55,174,006, A>C. VCF-style: chr7-55174006-A-C. GRCh37 (hg19) VCF-style: chr7-55241699-A-C.
Other names: c.2012A>C, p.Lys671Thr (NM_001346897.2, NM_001346899.2); c.2147A>C, p.Lys716Thr (NM_001346898.2); c.1988A>C, p.Lys663Thr (NM_001346900.2); c.1346A>C, p.Lys449Thr (NM_001346941.2); short protein forms K449T, K663T, K671T, K716T.
Identifiers: ClinVar variation 1721000 (VCV001721000.5), dbSNP rs2128953700, ClinGen allele CA367583717.
Genomic context (GRCh38, chr7:55,174,006, plus strand): 5'-GAGAAGCTCCCAACCAAGCTCTCTTGAGGATCTTGAAGGAAACTGAATTCAAAAAGATCA[A>C]AGTGCTGGGCTCCGGTGCGTTCGGCACGGTGTATAAGGTAAGGTCCCTGGCACAGGCCTC-3'
Protein context (NP_005219.2, residues 706-726): ILKETEFKKI[Lys716Thr]VLGSGAFGTV